The following is an entry in ClinVar:

ClinVar aggregate classification (germline): Uncertain significance (1 of 4 stars; one submission).

Conditions:
Gastrointestinal stromal tumor. Also called: Gastrointestinal stromal tumor, somatic; Gastrointestinal stroma tumor. Identifiers: Orphanet 44890, MedGen C0238198, MeSH D046152, MONDO:0011719, OMIM 606764, HP:0100723.

Allele frequency attached by ClinVar (database versions not stated): gnomAD exomes below 0.00001.
gnomAD v4.1: 1 of 1,613,968 alleles (0.000062%); highest among the groups gnomAD compares: Non-Finnish European, 0.000085%; no homozygotes.

Submission:

Labcorp Genetics (formerly Invitae), Labcorp
Classification: Uncertain significance for Gastrointestinal stromal tumor. Last evaluated: 2024-01-17. Review status: criteria provided, single submitter. Criteria: Invitae Variant Classification Sherloc (09022015). Collection method: clinical testing. Allele origin: germline.
Comment: This sequence change replaces phenylalanine, which is neutral and non-polar, with leucine, which is neutral and non-polar, at codon 203 of the PDGFRA protein (p.Phe203Leu). This variant is not present in population databases (gnomAD no frequency). This variant has not been reported in the literature in individuals affected with PDGFRA-related conditions. Advanced modeling of protein sequence and biophysical properties (such as structural, functional, and spatial information, amino acid conservation, physicochemical variation, residue mobility, and thermodynamic stability) performed at Invitae indicates that this missense variant is not expected to disrupt PDGFRA protein function with a negative predictive value of 80%. In summary, the available evidence is currently insufficient to determine the role of this variant in disease. Therefore, it has been classified as a Variant of Uncertain Significance.

NM_006206.6(PDGFRA):c.607T>C (p.Phe203Leu)

Gene: PDGFRA (platelet derived growth factor receptor alpha; plus strand). Cytogenetic location: 4q12.
Variant type: single nucleotide variant.
Coding change: c.607T>C on transcript NM_006206.6 (MANE Select); coding-DNA position 607, T replaced by C.
Protein change: p.Phe203Leu; replaces phenylalanine 203 with leucine.
Molecular consequence: missense variant.
Genome position (GRCh38, 1-based): chr4:54,263,906, T>C. VCF-style: chr4-54263906-T-C. GRCh37 (hg19) VCF-style: chr4-55130073-T-C.
Other names: c.607T>C, p.Phe203Leu (NM_001347827.2, NM_001347829.2); c.682T>C, p.Phe228Leu (NM_001347828.2); c.646T>C, p.Phe216Leu (NM_001347830.2); short protein forms F228L, F216L, F203L.
Identifiers: ClinVar variation 2831018 (VCV002831018.3), dbSNP rs2475437627, ClinGen allele CA356890186.